The following is an entry in ClinVar:

ClinVar aggregate classification (germline): Pathogenic (1 of 4 stars; one submission).

Submission:

Labcorp Genetics (formerly Invitae), Labcorp
Classification: Pathogenic. Last evaluated: 2025-03-31. Review status: criteria provided, single submitter. Criteria: Invitae Variant Classification Sherloc (09022015). Collection method: clinical testing. Allele origin: germline.
Comment: This sequence change replaces glycine, which is neutral and non-polar, with arginine, which is basic and polar, at codon 88 of the AVP protein (p.Gly88Arg). This variant is not present in population databases (gnomAD no frequency). This missense change has been observed in individual(s) with familial neurohypophyseal diabetes insipidus (PMID: 8554046). It has also been observed to segregate with disease in related individuals. This variant is also known as 1859G>C (Gly57Arg). An algorithm developed to predict the effect of missense changes on protein structure and function (PolyPhen-2) suggests that this variant is likely to be disruptive. For these reasons, this variant has been classified as Pathogenic.

Literature cited by the submitters: PubMed 8554046.

NM_000490.5(AVP):c.262G>C (p.Gly88Arg)

Gene: AVP (arginine vasopressin; minus strand). Cytogenetic location: 20p13.
Variant type: single nucleotide variant.
Coding change: c.262G>C on transcript NM_000490.5 (MANE Select); coding-DNA position 262, G replaced by C.
Protein change: p.Gly88Arg; replaces glycine 88 with arginine.
Molecular consequence: missense variant.
Genome position (GRCh38, 1-based): chr20:3,083,037, C>G on the plus strand (G>C on the coding strand, the complement: AVP is on the minus strand). VCF-style: chr20-3083037-C-G. GRCh37 (hg19) VCF-style: chr20-3063683-C-G.
Other names: short protein forms G88R.
Identifiers: ClinVar variation 3723689 (VCV003723689.2).